The following is an entry in ClinVar:

ClinVar aggregate classification (germline): Uncertain significance (1 of 4 stars; one submission).

Conditions:
Hereditary cancer-predisposing syndrome. Also called: Neoplastic Syndromes, Hereditary; Tumor predisposition; Hereditary Cancer Syndrome; Hereditary neoplastic syndrome. Identifiers: Orphanet 140162, MedGen C0027672, MeSH D009386, MONDO:0015356.

Submission:

Ambry Genetics
Classification: Uncertain significance for Hereditary cancer-predisposing syndrome. Last evaluated: 2026-06-08. Review status: criteria provided, single submitter. Criteria: Ambry Variant Classification Scheme 2023. Collection method: clinical testing. Allele origin: germline.
Comment: The p.F778L variant (also known as c.2332T>C), located in coding exon 14 of the PMS2 gene, results from a T to C substitution at nucleotide position 2332. The phenylalanine at codon 778 is replaced by leucine, an amino acid with highly similar properties. This amino acid position is conserved. In addition, this alteration is predicted to be deleterious by in silico analysis. Based on the available evidence, the clinical significance of this variant remains unclear.

NM_000535.7(PMS2):c.2332T>C (p.Phe778Leu)

Gene: PMS2 (PMS1 homolog 2, mismatch repair system component; minus strand). Cytogenetic location: 7p22.1.
Variant type: single nucleotide variant.
Coding change: c.2332T>C on transcript NM_000535.7 (MANE Select); coding-DNA position 2332, T replaced by C.
Protein change: p.Phe778Leu; replaces phenylalanine 778 with leucine.
Molecular consequence: missense variant. On other transcripts: non-coding transcript variant (1).
Genome position (GRCh38, 1-based): chr7:5,977,701, A>G on the plus strand (T>C on the coding strand, the complement: PMS2 is on the minus strand). VCF-style: chr7-5977701-A-G. GRCh37 (hg19) VCF-style: chr7-6017332-A-G.
Other names: c.2023T>C, p.Phe675Leu (NM_001406877.1, NM_001406878.1, NM_001406879.1 and 4 more transcripts); c.2014T>C, p.Phe672Leu (NM_001406883.1, NM_001322007.2, NM_001322008.2); c.2008T>C, p.Phe670Leu (NM_001406884.1); c.1996T>C, p.Phe666Leu (NM_001406885.1); c.1966T>C, p.Phe656Leu (NM_001406886.1); c.1927T>C, p.Phe643Leu (NM_001406896.1, NM_001406897.1, NM_001406898.1 and 11 more transcripts); c.1867T>C, p.Phe623Leu (NM_001406900.1); c.1858T>C, p.Phe620Leu (NM_001406901.1, NM_001406902.1); and 20 more; short protein forms F377L, F467L, F521L, F539L, F587L, F591L, F607L, F616L.
Identifiers: ClinVar variation 4862132 (VCV004862132.1).